The following is an entry in ClinVar:

ClinVar aggregate classification (germline): Uncertain significance (1 of 4 stars; one submission).

Submission:

Labcorp Genetics (formerly Invitae), Labcorp
Classification: Uncertain significance. Last evaluated: 2025-12-31. Review status: criteria provided, single submitter. Criteria: Invitae Variant Classification Sherloc (09022015). Collection method: clinical testing. Allele origin: germline.
Comment: This sequence change replaces histidine, which is basic and polar, with tyrosine, which is neutral and polar, at codon 855 of the AMER1 protein (p.His855Tyr). This variant is not present in population databases (gnomAD no frequency). This variant has not been reported in the literature in individuals affected with AMER1-related conditions. An algorithm developed to predict the effect of missense changes on protein structure and function (PolyPhen-2) suggests that this variant is likely to be tolerated. In summary, the available evidence is currently insufficient to determine the role of this variant in disease. Therefore, it has been classified as a Variant of Uncertain Significance.

NM_152424.4(AMER1):c.2563C>T (p.His855Tyr)

Gene: AMER1 (APC membrane recruitment protein 1; minus strand). Cytogenetic location: Xq11.2.
Variant type: single nucleotide variant.
Coding change: c.2563C>T on transcript NM_152424.4 (MANE Select); coding-DNA position 2563, C replaced by T.
Protein change: p.His855Tyr; replaces histidine 855 with tyrosine.
Molecular consequence: missense variant.
Genome position (GRCh38, 1-based): chrX:64,190,724, G>A on the plus strand (C>T on the coding strand, the complement: AMER1 is on the minus strand). VCF-style: chrX-64190724-G-A. GRCh37 (hg19) VCF-style: chrX-63410604-G-A.
Other names: short protein forms H855Y.
Identifiers: ClinVar variation 4734116 (VCV004734116.1).